The following is an entry in ClinVar:

NM_130837.3(OPA1):c.1609-1G>T

Gene: OPA1 (OPA1 mitochondrial dynamin like GTPase; plus strand). Cytogenetic location: 3q29.
Variant type: single nucleotide variant.
Coding change: c.1609-1G>T on transcript NM_130837.3 (MANE Select); the canonical splice acceptor site of the intron before coding-DNA position 1609, G replaced by T.
Molecular consequence: splice acceptor variant.
Genome position (GRCh38, 1-based): chr3:193,645,552, G>T. VCF-style: chr3-193645552-G-T. GRCh37 (hg19) VCF-style: chr3-193363341-G-T.
Other names: c.1072-1G>T (NM_001354664.2); c.1075-1G>T (NM_001354663.2); c.1498-1G>T (NM_130834.3); c.1555-1G>T (NM_130836.3); c.1444-1G>T (NM_015560.3); c.1501-1G>T (NM_130835.3); c.1390-1G>T (NM_130832.3); c.1447-1G>T (NM_130833.3); and 1 more.
Identifiers: ClinVar variation 5041347 (VCV005041347.1).

ClinVar aggregate classification (germline): Pathogenic (1 of 4 stars; one submission).

Submission:

CeGaT Center for Human Genetics Tuebingen
Classification: Pathogenic. Last evaluated: 2026-09-01. Review status: criteria provided, single submitter. Criteria: CeGaT Center For Human Genetics Tuebingen Variant Classification Criteria Version 2. Collection method: clinical testing. Allele origin: germline. Affected: yes. Observed: 1 variant allele.
Comment: OPA1: PVS1, PM2, PS4:Moderate, PS1:Supporting